The following is an entry in ClinVar:

ClinVar aggregate classification (germline): Likely benign. Review status: criteria provided, multiple submitters, no conflicts (2 of 4 stars). 2 submissions from 2 submitters: Likely benign (2). Last evaluated 2024-01-03.

Conditions:
Catecholaminergic polymorphic ventricular tachycardia 1. Also called: VENTRICULAR TACHYCARDIA, CATECHOLAMINERGIC POLYMORPHIC, 1, WITH OR WITHOUT ATRIAL DYSFUNCTION AND/OR DILATED CARDIOMYOPATHY; RYR2-Related Catecholaminergic Polymorphic Ventricular Tachycardia; VENTRICULAR TACHYCARDIA, STRESS-INDUCED POLYMORPHIC 1. Identifiers: Orphanet 3286, MedGen C1631597, MONDO:0011484, OMIM 604772.
Catecholaminergic polymorphic ventricular tachycardia (CVPT). Also called: Catecholamine-induced polymorphic ventricular tachycardia. Identifiers: Orphanet 3286, MedGen C5574922, MONDO:0017990.

Allele frequency attached by ClinVar (database versions not stated): gnomAD exomes 0.00001.
gnomAD v4.1: 7 of 1,611,378 alleles (0.00043%); highest among the groups gnomAD compares: South Asian, 0.0033%; no homozygotes.

Submissions (2):

All of Us Research Program, National Institutes of Health
Classification: Likely benign for Catecholaminergic polymorphic ventricular tachycardia. Last evaluated: 2024-01-03. Review status: criteria provided, single submitter. Criteria: ACMG Guidelines, 2015. Collection method: clinical testing. Allele origin: germline. Inheritance: Autosomal dominant inheritance. Observed: 1 variant allele, 1 heterozygote.
Comment: This study involves interpretation of variants in research participants for the purpose of population health screening. Participant phenotype was not available at the time of variant classification. Additional details can be found in publication PMID: 35346344, PMCID: PMC8962531

Labcorp Genetics (formerly Invitae), Labcorp
Classification: Likely benign for Catecholaminergic polymorphic ventricular tachycardia 1. Last evaluated: 2022-02-04. Review status: criteria provided, single submitter. Criteria: Invitae Variant Classification Sherloc (09022015). Collection method: clinical testing. Allele origin: germline.

NM_001035.3(RYR2):c.10161G>A (p.Glu3387=)

Gene: RYR2 (ryanodine receptor 2; plus strand). Cytogenetic location: 1q43.
Variant type: single nucleotide variant.
Coding change: c.10161G>A on transcript NM_001035.3 (MANE Select); coding-DNA position 10161, G replaced by A.
Protein change: p.Glu3387=; no amino-acid change (glutamic acid 3387 retained).
Molecular consequence: synonymous variant.
Genome position (GRCh38, 1-based): chr1:237,709,498, G>A. VCF-style: chr1-237709498-G-A. GRCh37 (hg19) VCF-style: chr1-237872798-G-A.
Other names: c.10161G>A, p.Glu3387= (LRG_402t1).
Identifiers: ClinVar variation 532426 (VCV000532426.11), dbSNP rs1391492847, ClinGen allele CA423819463.